The following is an entry in ClinVar:

ClinVar aggregate classification (germline): Uncertain significance. Review status: criteria provided, multiple submitters, no conflicts (2 of 4 stars). 2 submissions from 2 submitters: Uncertain significance (2). Last evaluated 2024-07-30.

Submissions (2):

Labcorp Genetics (formerly Invitae), Labcorp
Classification: Uncertain significance. Last evaluated: 2024-07-30. Review status: criteria provided, single submitter. Criteria: Invitae Variant Classification Sherloc (09022015). Collection method: clinical testing. Allele origin: germline.
Comment: This sequence change replaces glutamic acid, which is acidic and polar, with aspartic acid, which is acidic and polar, at codon 242 of the OPA1 protein (p.Glu242Asp). This variant is not present in population databases (gnomAD no frequency). This variant has not been reported in the literature in individuals affected with OPA1-related conditions. Advanced modeling of protein sequence and biophysical properties (such as structural, functional, and spatial information, amino acid conservation, physicochemical variation, residue mobility, and thermodynamic stability) performed at Invitae indicates that this missense variant is not expected to disrupt OPA1 protein function with a negative predictive value of 80%. In summary, the available evidence is currently insufficient to determine the role of this variant in disease. Therefore, it has been classified as a Variant of Uncertain Significance.

Mayo Clinic Laboratories, Mayo Clinic
Classification: Uncertain significance. Last evaluated: 2024-01-29. Review status: criteria provided, single submitter. Criteria: ACMG Guidelines, 2015. Collection method: clinical testing. Allele origin: germline. Observed: 1 variant allele.
Comment: BP4

NM_130837.3(OPA1):c.891A>T (p.Glu297Asp)

Gene: OPA1 (OPA1 mitochondrial dynamin like GTPase; plus strand). Cytogenetic location: 3q29.
Variant type: single nucleotide variant.
Coding change: c.891A>T on transcript NM_130837.3 (MANE Select); coding-DNA position 891, A replaced by T.
Protein change: p.Glu297Asp; replaces glutamic acid 297 with aspartic acid.
Molecular consequence: missense variant.
Genome position (GRCh38, 1-based): chr3:193,635,465, A>T. VCF-style: chr3-193635465-A-T. GRCh37 (hg19) VCF-style: chr3-193353254-A-T.
Other names: p.Glu242Asp; c.357A>T, p.Glu119Asp (NM_001354663.2); c.354A>T, p.Glu118Asp (NM_001354664.2); c.726A>T, p.Glu242Asp (NM_015560.3); c.618A>T, p.Glu206Asp (NM_130831.3); c.672A>T, p.Glu224Asp (NM_130832.3); c.729A>T, p.Glu243Asp (NM_130833.3); c.780A>T, p.Glu260Asp (NM_130834.3); and 2 more; short protein forms E118D, E119D, E206D, E224D, E242D, E243D, E260D, E261D.
Identifiers: ClinVar variation 3379525 (VCV003379525.3).
Genomic context (GRCh38, chr3:193,635,465, plus strand): 5'-TATTTTATTGCAGTTGAAGTATCAGAGAATCTTGGAACGATTAGAAAAGGAGAACAAAGA[A>T]TTGAGAAAATTAGTATTGCAGAAAGATGACAAAGGCATTCATCATAGAAAGCTTAAGGTA-3'
Protein context (NP_570850.2, residues 287-307): ILERLEKENK[Glu297Asp]LRKLVLQKDD